The following is an entry in ClinVar:

NM_031407.7(HUWE1):c.294C>G (p.Asn98Lys)

Gene: HUWE1 (HECT, UBA and WWE domain containing E3 ubiquitin protein ligase 1; minus strand). Cytogenetic location: Xp11.22.
Variant type: single nucleotide variant.
Coding change: c.294C>G on transcript NM_031407.7 (MANE Select); coding-DNA position 294, C replaced by G.
Protein change: p.Asn98Lys; replaces asparagine 98 with lysine.
Molecular consequence: missense variant.
Genome position (GRCh38, 1-based): chrX:53,647,425, G>C on the plus strand (C>G on the coding strand, the complement: HUWE1 is on the minus strand). VCF-style: chrX-53647425-G-C. GRCh37 (hg19) VCF-style: chrX-53674368-G-C.
Other names: c.294C>G, p.Asn98Lys (NM_001441048.1, NM_001441049.1, NM_001441050.1 and 8 more transcripts); short protein forms N98K.
Identifiers: ClinVar variation 4531336 (VCV004531336.1).

ClinVar aggregate classification (germline): Uncertain significance (1 of 4 stars; one submission).

Conditions:
Intellectual developmental disorder, X-linked, syndromic, Turner type. Also called: X-linked intellectual disability, Turner type; Intellectual disability, X-linked syndromic, Turner type. Identifiers: Orphanet 3056, Orphanet 85328, MedGen C2678046, MONDO:0010407, OMIM 309590.

Submission:

Victorian Clinical Genetics Services, Murdoch Childrens Research Institute
Classification: Uncertain significance for Intellectual developmental disorder, X-linked, syndromic, Turner type. Last evaluated: 2025-09-29. Review status: criteria provided, single submitter. Criteria: ACMG Guidelines, 2015. Collection method: clinical testing. Allele origin: germline.
Comment: This variant is classified as VUS-3B. Evidence in support of pathogenic classification: Variant is absent from gnomAD (v2, v3 and v4). Additional information: Variant is predicted to result in a missense amino acid change from Asn to Lys; This variant is hemizygous; This gene is associated with X-linked disease. Due to skewed X-inactivation, heterozygous females can be variably affected, ranging from asymptomatic to fully manifesting the condition (PMID: 29180823); Alternative amino acid change(s) at the same position are present in gnomAD (Highest allele count: v4: 3 heterozygote(s), 0 homozygote(s), 0 hemizygote(s)) ; This variant has no previous evidence of pathogenicity; No published evidence of segregation with disease has been identified for this variant; No published functional evidence has been identified for this variant; No comparable missense variants have previous evidence for pathogenicity; Variant is located in the annotated domain of unknown function 908 (DECIPHER); Missense variant with inconclusive in silico prediction and uninformative conservation; Loss of function and gain of function are known mechanisms of disease in this gene and are associated with intellectual developmental disorder, X-linked syndromic, Turner type (MIM#309590) (PMID: 27130160).

Literature cited by the submitters: PubMed 27130160; PubMed 29180823.